The following is an entry in ClinVar:

NC_000005.10:g.(?_13765956)_(13769635_?)del

Gene: DNAH5 (dynein axonemal heavy chain 5; minus strand). Cytogenetic location: 5p15.2.
Variant type: Deletion.
Identifiers: ClinVar variation 832375 (VCV000832375.15).

ClinVar aggregate classification (germline): Pathogenic (1 of 4 stars; one submission).

Conditions:
Primary ciliary dyskinesia. Also called: Ciliary dyskinesia. Identifiers: Orphanet 244, MedGen C0008780, MONDO:0016575, HP:0012265.

Submission:

Labcorp Genetics (formerly Invitae), Labcorp
Classification: Pathogenic for Primary ciliary dyskinesia. Last evaluated: 2023-11-20. Review status: criteria provided, single submitter. Criteria: Invitae Variant Classification Sherloc (09022015). Collection method: clinical testing. Allele origin: germline.
Comment: This variant is a gross deletion of the genomic region encompassing exon(s) 57-59 of the DNAH5 gene. This deletion is out-of-frame, and is expected to create a premature termination codon and result in an absent or disrupted protein product. Loss-of-function variants in DNAH5 are known to be pathogenic (PMID: 11788826, 16627867). A similar copy number variant has been observed in individual(s) with primary ciliary dyskinesia (Invitae). For these reasons, this variant has been classified as Pathogenic.

Literature cited by the submitters: PubMed 11788826; PubMed 16627867.